The following is an entry in ClinVar:

ClinVar aggregate classification (germline): Uncertain significance (1 of 4 stars; one submission).

gnomAD v4.1: 3 of 1,612,266 alleles (0.00019%); highest among the groups gnomAD compares: Non-Finnish European, 0.00017%; no homozygotes.

Submission:

Ambry Genetics
Classification: Uncertain significance. Last evaluated: 2024-12-13. Review status: criteria provided, single submitter. Criteria: Ambry Variant Classification Scheme 2023. Collection method: clinical testing. Allele origin: germline.
Comment: The p.E295A variant (also known as c.884A>C), located in coding exon 9 of the SRP72 gene, results from an A to C substitution at nucleotide position 884. The glutamic acid at codon 295 is replaced by alanine, an amino acid with dissimilar properties. This amino acid position is conserved. In addition, this alteration is predicted to be deleterious by in silico analysis. Based on the available evidence, the clinical significance of this variant remains unclear.

NM_006947.4(SRP72):c.884A>C (p.Glu295Ala)

Gene: SRP72 (signal recognition particle 72; plus strand). Cytogenetic location: 4q12.
Variant type: single nucleotide variant.
Coding change: c.884A>C on transcript NM_006947.4 (MANE Select); coding-DNA position 884, A replaced by C.
Protein change: p.Glu295Ala; replaces glutamic acid 295 with alanine.
Molecular consequence: missense variant. On other transcripts: non-coding transcript variant (1).
Genome position (GRCh38, 1-based): chr4:56,483,197, A>C. VCF-style: chr4-56483197-A-C. GRCh37 (hg19) VCF-style: chr4-57349363-A-C.
Other names: c.701A>C, p.Glu234Ala (NM_001267722.2); short protein forms E234A, E295A.
Identifiers: ClinVar variation 3801401 (VCV003801401.1).
Genomic context (GRCh38, chr4:56,483,197, plus strand): 5'-AGGACCAAAATGTCTTTGACTCCAAGAAGAAAGTGAAATTAACCAATGCGGAAGGAGTAG[A>C]GTTTAAGCTTTCCAAGAAACAACTACAAGCTATAGAATTTAACAAAGCTTTACTTGCTAT-3'
Protein context (NP_008878.3, residues 285-305): KVKLTNAEGV[Glu295Ala]FKLSKKQLQA